The following is an entry in ClinVar:

NM_000256.3(MYBPC3):c.1312G>C (p.Val438Leu)

Gene: MYBPC3 (myosin binding protein C3; minus strand). Cytogenetic location: 11p11.2.
Variant type: single nucleotide variant.
Coding change: c.1312G>C on transcript NM_000256.3 (MANE Select); coding-DNA position 1312, G replaced by C.
Protein change: p.Val438Leu; replaces valine 438 with leucine.
Molecular consequence: missense variant.
Genome position (GRCh38, 1-based): chr11:47,343,060, C>G on the plus strand (G>C on the coding strand, the complement: MYBPC3 is on the minus strand). VCF-style: chr11-47343060-C-G. GRCh37 (hg19) VCF-style: chr11-47364611-C-G.
Other names: short protein forms V438L.
Identifiers: ClinVar variation 2773745 (VCV002773745.2), dbSNP rs2495764102, ClinGen allele CA380327041.
Genomic context (GRCh38, chr11:47,343,060, plus strand): 5'-ATCCTCAGGTCCCAGGCCCACCTTTCACAAAGAGCTCCGTGCTACACTTCTCGCCACCCA[C>G]CACGCACTGGTAGGCTGCGTCGTCCGCCAATGAGCACTGGCTGATGGTCAGGGTACGCTT-3'
Protein context (NP_000247.2, residues 428-448): LADDAAYQCV[Val438Leu]GGEKCSTELF

ClinVar aggregate classification (germline): Uncertain significance (1 of 4 stars; one submission).

Conditions:
Cardiomyopathy (CMYO). Also called: Cardiomyopathies. Identifiers: Orphanet 167848, MedGen C0878544, MONDO:0004994, HP:0001638. Inheritance: Various modes of inheritance.

Submission:

Color Diagnostics, LLC DBA Color Health
Classification: Uncertain significance for Cardiomyopathy. Last evaluated: 2024-03-06. Review status: criteria provided, single submitter. Criteria: ACMG Guidelines, 2015. Collection method: clinical testing. Allele origin: germline.
Comment: This missense variant replaces valine with leucine at codon 438 of the MYBPC3 protein. Computational prediction is inconclusive regarding the impact of this variant on protein structure and function (internally defined REVEL score threshold 0.5 < inconclusive < 0.7, PMID: 27666373). To our knowledge, functional studies have not been reported for this variant. This variant has not been reported in individuals affected with cardiovascular disorders in the literature. This variant has not been identified in the general population by the Genome Aggregation Database (gnomAD). The available evidence is insufficient to determine the role of this variant in disease conclusively. Therefore, this variant is classified as a Variant of Uncertain Significance.